The following is an entry in ClinVar:

ClinVar aggregate classification (germline): Uncertain significance. Review status: criteria provided, multiple submitters, no conflicts (2 of 4 stars). 3 submissions from 3 submitters: Uncertain significance (3). Last evaluated 2024-10-22.

Conditions:
Hereditary cancer-predisposing syndrome. Also called: Hereditary Cancer Syndrome; Neoplastic Syndromes, Hereditary; Tumor predisposition; Hereditary neoplastic syndrome. Identifiers: Orphanet 140162, MedGen C0027672, MeSH D009386, MONDO:0015356.
Hereditary nonpolyposis colorectal neoplasms. Identifiers: MedGen C0009405, MeSH D003123.

Allele frequency attached by ClinVar (database versions not stated): gnomAD exomes below 0.00001.
gnomAD v4.1: 2 of 1,614,194 alleles (0.00012%); highest among the groups gnomAD compares: Non-Finnish European, 0.00017%; no homozygotes.

Submissions (3):

Labcorp Genetics (formerly Invitae), Labcorp
Classification: Uncertain significance for Hereditary nonpolyposis colorectal neoplasms. Last evaluated: 2024-10-22. Review status: criteria provided, single submitter. Criteria: Invitae Variant Classification Sherloc (09022015). Collection method: clinical testing. Allele origin: germline.
Comment: This sequence change replaces glutamine, which is neutral and polar, with histidine, which is basic and polar, at codon 177 of the MSH6 protein (p.Gln177His). This variant is not present in population databases (gnomAD no frequency). This variant has not been reported in the literature in individuals affected with MSH6-related conditions. ClinVar contains an entry for this variant (Variation ID: 336440). Invitae Evidence Modeling of protein sequence and biophysical properties (such as structural, functional, and spatial information, amino acid conservation, physicochemical variation, residue mobility, and thermodynamic stability) indicates that this missense variant is not expected to disrupt MSH6 protein function with a negative predictive value of 95%. In summary, the available evidence is currently insufficient to determine the role of this variant in disease. Therefore, it has been classified as a Variant of Uncertain Significance.

Color Diagnostics, LLC DBA Color Health
Classification: Uncertain significance for Hereditary cancer-predisposing syndrome. Last evaluated: 2023-12-05. Review status: criteria provided, single submitter. Criteria: ACMG Guidelines, 2015. Collection method: clinical testing. Allele origin: germline.
Comment: This missense variant replaces glutamine with histidine at codon 177 of the MSH6 protein. Computational prediction suggests that this variant may not impact protein structure and function (internally defined REVEL score threshold <= 0.5, PMID: 27666373). To our knowledge, functional studies have not been reported for this variant. This variant has not been reported in individuals affected with MSH6-related disorders in the literature. This variant has not been identified in the general population by the Genome Aggregation Database (gnomAD). The available evidence is insufficient to determine the role of this variant in disease conclusively. Therefore, this variant is classified as a Variant of Uncertain Significance.

Ambry Genetics
Classification: Uncertain significance for Hereditary cancer-predisposing syndrome. Last evaluated: 2023-04-19. Review status: criteria provided, single submitter. Criteria: Ambry Variant Classification Scheme 2023. Collection method: clinical testing. Allele origin: germline.
Comment: The p.Q177H variant (also known as c.531A>T), located in coding exon 3 of the MSH6 gene, results from an A to T substitution at nucleotide position 531. The glutamine at codon 177 is replaced by histidine, an amino acid with highly similar properties. This amino acid position is not well conserved in available vertebrate species. In addition, this alteration is predicted to be tolerated by in silico analysis. Since supporting evidence is limited at this time, the clinical significance of this alteration remains unclear.

NM_000179.3(MSH6):c.531A>T (p.Gln177His)

Gene: MSH6 (mutS homolog 6; plus strand). Cytogenetic location: 2p16.3.
Variant type: single nucleotide variant.
Coding change: c.531A>T on transcript NM_000179.3 (MANE Select); coding-DNA position 531, A replaced by T.
Protein change: p.Gln177His; replaces glutamine 177 with histidine.
Molecular consequence: missense variant. On other transcripts: 5 prime UTR variant (1), intron variant (2).
Genome position (GRCh38, 1-based): chr2:47,795,967, A>T. VCF-style: chr2-47795967-A-T. GRCh37 (hg19) VCF-style: chr2-48023106-A-T.
Other names: c.-372A>T (NM_001281494.2); c.-279-2644A>T (NM_001281493.2); c.238-2644A>T (NM_001281492.2); short protein forms Q177H.
Identifiers: ClinVar variation 336440 (VCV000336440.22), dbSNP rs886056142, ClinGen allele CA10615504.